The following is an entry in ClinVar:

NM_016151.4(TAOK2):c.1333C>A (p.Pro445Thr)

Gene: TAOK2 (TAO kinase 2; plus strand). Cytogenetic location: 16p11.2.
Variant type: single nucleotide variant.
Coding change: c.1333C>A on transcript NM_016151.4 (MANE Select); coding-DNA position 1333, C replaced by A.
Protein change: p.Pro445Thr; replaces proline 445 with threonine.
Molecular consequence: missense variant.
Genome position (GRCh38, 1-based): chr16:29,983,575, C>A. VCF-style: chr16-29983575-C-A. GRCh37 (hg19) VCF-style: chr16-29994896-C-A.
Other names: c.1333C>A, p.Pro445Thr (NM_001252043.2, NM_004783.4); short protein forms P445T.
Identifiers: ClinVar variation 2058670 (VCV002058670.4), dbSNP rs2543639353, ClinGen allele CA395481833.

ClinVar aggregate classification (germline): Uncertain significance (1 of 4 stars; one submission).

Submission:

Labcorp Genetics (formerly Invitae), Labcorp
Classification: Uncertain significance. Last evaluated: 2021-12-24. Review status: criteria provided, single submitter. Criteria: Invitae Variant Classification Sherloc (09022015). Collection method: clinical testing. Allele origin: germline.
Comment: This variant is not present in population databases (gnomAD no frequency). This sequence change replaces proline, which is neutral and non-polar, with threonine, which is neutral and polar, at codon 445 of the TAOK2 protein (p.Pro445Thr). This variant has not been reported in the literature in individuals affected with TAOK2-related conditions. Algorithms developed to predict the effect of missense changes on protein structure and function are either unavailable or do not agree on the potential impact of this missense change (SIFT: "Tolerated"; PolyPhen-2: "Probably Damaging"; Align-GVGD: "Class C0"). In summary, the available evidence is currently insufficient to determine the role of this variant in disease. Therefore, it has been classified as a Variant of Uncertain Significance.